The following is an entry in ClinVar:

NM_001354930.2(RIPK1):c.1012G>C (p.Glu338Gln)

Gene: RIPK1 (receptor interacting serine/threonine kinase 1; plus strand). Cytogenetic location: 6p25.2.
Variant type: single nucleotide variant.
Coding change: c.1012G>C on transcript NM_001354930.2 (MANE Select); coding-DNA position 1012, G replaced by C.
Protein change: p.Glu338Gln; replaces glutamic acid 338 with glutamine.
Molecular consequence: missense variant.
Genome position (GRCh38, 1-based): chr6:3,105,487, G>C. VCF-style: chr6-3105487-G-C. GRCh37 (hg19) VCF-style: chr6-3105721-G-C.
Other names: c.523G>C, p.Glu175Gln (NM_001317061.3, NM_001354932.2, NM_001354933.2 and 1 more transcripts); c.874G>C, p.Glu292Gln (NM_001354931.2); c.1012G>C, p.Glu338Gln (NM_003804.6); short protein forms E175Q, E292Q, E338Q.
Identifiers: ClinVar variation 4811800 (VCV004811800.1).

ClinVar aggregate classification (germline): Uncertain significance (1 of 4 stars; one submission).

gnomAD v4.1: 2 of 1,536,862 alleles (0.00013%); highest among the groups gnomAD compares: Non-Finnish European, 0.00017%; no homozygotes.

Submission:

Labcorp Genetics (formerly Invitae), Labcorp
Classification: Uncertain significance. Last evaluated: 2025-01-28. Review status: criteria provided, single submitter. Criteria: Invitae Variant Classification Sherloc (09022015). Collection method: clinical testing. Allele origin: germline.
Comment: This sequence change replaces glutamic acid, which is acidic and polar, with glutamine, which is neutral and polar, at codon 338 of the RIPK1 protein (p.Glu338Gln). This variant is not present in population databases (gnomAD no frequency). This variant has not been reported in the literature in individuals affected with RIPK1-related conditions. An algorithm developed to predict the effect of missense changes on protein structure and function (PolyPhen-2) suggests that this variant is likely to be disruptive. In summary, the available evidence is currently insufficient to determine the role of this variant in disease. Therefore, it has been classified as a Variant of Uncertain Significance.